The following is an entry in ClinVar:

NM_000368.5(TSC1):c.2625G>C (p.Lys875Asn)

Gene: TSC1 (TSC complex subunit 1; minus strand). Cytogenetic location: 9q34.13.
Variant type: single nucleotide variant.
Coding change: c.2625G>C on transcript NM_000368.5 (MANE Select); coding-DNA position 2625, G replaced by C.
Protein change: p.Lys875Asn; replaces lysine 875 with asparagine.
Molecular consequence: missense variant.
Genome position (GRCh38, 1-based): chr9:132,900,715, C>G on the plus strand (G>C on the coding strand, the complement: TSC1 is on the minus strand). VCF-style: chr9-132900715-C-G. GRCh37 (hg19) VCF-style: chr9-135776102-C-G.
Other names: c.2622G>C, p.Lys874Asn (NM_001162426.2); c.2472G>C, p.Lys824Asn (NM_001162427.2); c.2262G>C, p.Lys754Asn (NM_001362177.2); short protein forms K754N, K824N, K874N, K875N.
Identifiers: ClinVar variation 1695272 (VCV001695272.33), dbSNP rs777437357, ClinGen allele CA375369819.

ClinVar aggregate classification (germline): Uncertain significance. Review status: criteria provided, multiple submitters, no conflicts (2 of 4 stars). 2 submissions from 2 submitters: Uncertain significance (2). Last evaluated 2024-05-07.

Conditions:
Tuberous sclerosis 1 (TSC1). Identifiers: Orphanet 805, MedGen C1854465, MONDO:0008612, OMIM 191100.

Submissions (2):

Labcorp Genetics (formerly Invitae), Labcorp
Classification: Uncertain significance for Tuberous sclerosis 1. Last evaluated: 2024-05-07. Review status: criteria provided, single submitter. Criteria: Invitae Variant Classification Sherloc (09022015). Collection method: clinical testing. Allele origin: germline.
Comment: This sequence change replaces lysine, which is basic and polar, with asparagine, which is neutral and polar, at codon 875 of the TSC1 protein (p.Lys875Asn). RNA analysis indicates that this missense change induces altered splicing and likely results in a shortened protein product. This variant is not present in population databases (gnomAD no frequency). This variant has not been reported in the literature in individuals affected with TSC1-related conditions. ClinVar contains an entry for this variant (Variation ID: 1695272). An algorithm developed to predict the effect of missense changes on protein structure and function (PolyPhen-2) suggests that this variant is likely to be tolerated. Variants that disrupt the consensus splice site are a relatively common cause of aberrant splicing (PMID: 17576681, 9536098). Studies have shown that this missense change results in skipping of exon 20, but is expected to preserve the integrity of the reading-frame (Invitae). In summary, the available evidence is currently insufficient to determine the role of this variant in disease. Therefore, it has been classified as a Variant of Uncertain Significance.

CeGaT Center for Human Genetics Tuebingen
Classification: Uncertain significance. Last evaluated: 2022-05-01. Review status: criteria provided, single submitter. Criteria: CeGaT Center For Human Genetics Tuebingen Variant Classification Criteria Version 2. Collection method: clinical testing. Allele origin: germline. Affected: yes. Observed: 1 variant allele.
Comment: TSC1: PM2, PP3

Literature cited by the submitters: PubMed 17576681 (cited by Labcorp Genetics (formerly Invitae), Labcorp); PubMed 9536098 (cited by Labcorp Genetics (formerly Invitae), Labcorp).